The following is an entry in ClinVar:

NM_001754.5(RUNX1):c.1254G>A (p.Met418Ile)

Gene: RUNX1 (RUNX family transcription factor 1; minus strand). Cytogenetic location: 21q22.12.
Variant type: single nucleotide variant.
Coding change: c.1254G>A on transcript NM_001754.5 (MANE Select); coding-DNA position 1254, G replaced by A.
Protein change: p.Met418Ile; replaces methionine 418 with isoleucine.
Molecular consequence: missense variant.
Genome position (GRCh38, 1-based): chr21:34,792,324, C>T on the plus strand (G>A on the coding strand, the complement: RUNX1 is on the minus strand). VCF-style: chr21-34792324-C-T. GRCh37 (hg19) VCF-style: chr21-36164621-C-T.
Other names: NM_001754.5(RUNX1):c.1254G>A; p.Met418Ile; c.1173G>A, p.Met391Ile (NM_001001890.3); c.1254G>A (NM_001754.4); short protein forms M391I, M418I.
Identifiers: ClinVar variation 1004142 (VCV001004142.8), dbSNP rs1357327999, ClinGen allele CA410147637.

ClinVar aggregate classification (germline): Uncertain significance. Review status: reviewed by expert panel (3 of 4 stars). 3 submissions from 3 submitters: Uncertain significance (1). 2 of the submissions do not count toward it. Last evaluated 2025-01-15.

Conditions:
Hereditary thrombocytopenia and hematological cancer predisposition syndrome associated with RUNX1. Also called: Familial thrombocytopenia with propensity to acute myelogenous leukemia; PLATELET DISORDER, ASPIRIN-LIKE; RUNX1 Familial Platelet Disorder with Associated Myeloid Malignancies; Familial Platelet Disorder with Propensity to Acute Myelogenous Leukemia. Identifiers: Orphanet 71290, MedGen C1832388, MeSH C563324, MONDO:0100083, OMIM 601399.
Inborn genetic diseases. Identifiers: MedGen C0950123, MeSH D030342.
Hereditary thrombocytopenia and hematologic cancer predisposition syndrome. Identifiers: Orphanet 71290, MedGen CN281654, MONDO:0011071.

gnomAD v4.1: 2 of 1,552,458 alleles (0.00013%); highest among the groups gnomAD compares: Non-Finnish European, 0.000087%; no homozygotes.

Submissions (3):

ClinGen Myeloid Malignancy Variant Curation Expert Panel
Classification: Uncertain significance for Hereditary thrombocytopenia and hematologic cancer predisposition syndrome. Last evaluated: 2025-01-15. Review status: reviewed by expert panel. Criteria: ClinGen MyeloMalig ACMG Specifications v2. Collection method: curation. Allele origin: germline. Inheritance: Autosomal dominant inheritance.
Comment: NM_001754.5(RUNX1):c.1254G>A (p.Met418Ile) is a missense variant which has a REVEL score < 0.50 (0.209), and a SpliceAI score ≤ 0.20 (0.0) (BP4). This variant is completely absent from all population databases with at least 20x coverage for RUNX1 (PM2_Supporting). In summary, the clinical significance of this variant is uncertain. ACMG/AMP criteria applied, as specified by the Myeloid Malignancy Variant Curation Expert Panel for RUNX1: BP4, PM2_supporting.

Ambry Genetics
Classification: Uncertain significance for Inborn genetic diseases. Last evaluated: 2025-12-07. Review status: criteria provided, single submitter. Criteria: Ambry Variant Classification Scheme 2023. Collection method: clinical testing. Allele origin: germline. Not counted in ClinVar's aggregate classification.
Comment: The p.M418I variant (also known as c.1254G>A), located in coding exon 8 of the RUNX1 gene, results from a G to A substitution at nucleotide position 1254. The methionine at codon 418 is replaced by isoleucine, an amino acid with highly similar properties. This amino acid position is conserved. In addition, this alteration is predicted to be tolerated by in silico analysis. Based on the available evidence, the clinical significance of this variant remains unclear.

Labcorp Genetics (formerly Invitae), Labcorp
Classification: Uncertain significance for Hereditary thrombocytopenia and hematological cancer predisposition syndrome associated with RUNX1. Last evaluated: 2025-05-09. Review status: criteria provided, single submitter. Criteria: Invitae Variant Classification Sherloc (09022015). Collection method: clinical testing. Allele origin: germline. Not counted in ClinVar's aggregate classification.
Comment: This sequence change replaces methionine, which is neutral and non-polar, with isoleucine, which is neutral and non-polar, at codon 418 of the RUNX1 protein (p.Met418Ile). This variant is not present in population databases (gnomAD no frequency). This variant has not been reported in the literature in individuals affected with RUNX1-related conditions. ClinVar contains an entry for this variant (Variation ID: 1004142). Invitae Evidence Modeling of protein sequence and biophysical properties (such as structural, functional, and spatial information, amino acid conservation, physicochemical variation, residue mobility, and thermodynamic stability) has been performed for this missense variant. However, the output from this modeling did not meet the statistical confidence thresholds required to predict the impact of this variant on RUNX1 protein function. In summary, the available evidence is currently insufficient to determine the role of this variant in disease. Therefore, it has been classified as a Variant of Uncertain Significance.